The following is an entry in ClinVar:

NM_001370259.2(MEN1):c.977G>T (p.Gly326Val)

Gene: MEN1 (menin 1; minus strand). Cytogenetic location: 11q13.1.
Variant type: single nucleotide variant.
Coding change: c.977G>T on transcript NM_001370259.2 (MANE Select); coding-DNA position 977, G replaced by T.
Protein change: p.Gly326Val; replaces glycine 326 with valine.
Molecular consequence: missense variant. On other transcripts: non-coding transcript variant (4).
Genome position (GRCh38, 1-based): chr11:64,806,304, C>A on the plus strand (G>T on the coding strand, the complement: MEN1 is on the minus strand). VCF-style: chr11-64806304-C-A. GRCh37 (hg19) VCF-style: chr11-64573776-C-A.
Other names: c.992G>T, p.Gly331Val (NM_000244.4, NM_001407145.1, NM_001407150.1 and 5 more transcripts); c.977G>T, p.Gly326Val (NM_001370251.2, NM_001370260.2, NM_001370261.2 and 7 more transcripts); c.872G>T, p.Gly291Val (NM_001370262.2, NM_001370263.2, NM_001407148.1 and 2 more transcripts); short protein forms G291V, G326V, G331V.
Identifiers: ClinVar variation 3229119 (VCV003229119.2), dbSNP rs2136119969, ClinGen allele CA381183322.

ClinVar aggregate classification (germline): Uncertain significance. Review status: criteria provided, multiple submitters, no conflicts (2 of 4 stars). 2 submissions from 2 submitters: Uncertain significance (2). Last evaluated 2025-07-22.

Conditions:
Hereditary cancer-predisposing syndrome. Also called: Hereditary Cancer Syndrome; Tumor predisposition; Neoplastic Syndromes, Hereditary; Hereditary neoplastic syndrome. Identifiers: Orphanet 140162, MedGen C0027672, MeSH D009386, MONDO:0015356.
Multiple endocrine neoplasia, type 1 (MEN1). Also called: WERMER SYNDROME; Endocrine adenomatosis multiple; MEN 1; MEN I; MEA I. Identifiers: Orphanet 652, MedGen C0025267, MeSH D018761, MONDO:0007540, OMIM 131100.

Submissions (2):

Labcorp Genetics (formerly Invitae), Labcorp
Classification: Uncertain significance for Multiple endocrine neoplasia, type 1. Last evaluated: 2025-07-22. Review status: criteria provided, single submitter. Criteria: Invitae Variant Classification Sherloc (09022015). Collection method: clinical testing. Allele origin: germline.
Comment: This sequence change replaces glycine, which is neutral and non-polar, with valine, which is neutral and non-polar, at codon 326 of the MEN1 protein (p.Gly326Val). This variant is not present in population databases (gnomAD no frequency). This variant has not been reported in the literature in individuals affected with MEN1-related conditions. ClinVar contains an entry for this variant (Variation ID: 3229119). Invitae Evidence Modeling of protein sequence and biophysical properties (such as structural, functional, and spatial information, amino acid conservation, physicochemical variation, residue mobility, and thermodynamic stability) indicates that this missense variant is expected to disrupt MEN1 protein function with a positive predictive value of 95%. In summary, the available evidence is currently insufficient to determine the role of this variant in disease. Therefore, it has been classified as a Variant of Uncertain Significance.

Ambry Genetics
Classification: Uncertain significance for Hereditary cancer-predisposing syndrome. Last evaluated: 2023-12-12. Review status: criteria provided, single submitter. Criteria: Ambry Variant Classification Scheme 2023. Collection method: clinical testing. Allele origin: germline.
Comment: The p.G326V variant (also known as c.977G>T), located in coding exon 6 of the MEN1 gene, results from a G to T substitution at nucleotide position 977. The glycine at codon 326 is replaced by valine, an amino acid with dissimilar properties. This amino acid position is conserved. In addition, this alteration is predicted to be deleterious by in silico analysis. Since supporting evidence is limited at this time, the clinical significance of this alteration remains unclear.